The following is an entry in ClinVar:

NM_015295.3(SMCHD1):c.3421G>A (p.Val1141Ile)

Gene: SMCHD1 (structural maintenance of chromosomes flexible hinge domain containing 1; plus strand). Cytogenetic location: 18p11.32.
Variant type: single nucleotide variant.
Coding change: c.3421G>A on transcript NM_015295.3 (MANE Select); coding-DNA position 3421, G replaced by A.
Protein change: p.Val1141Ile; replaces valine 1141 with isoleucine.
Molecular consequence: missense variant.
Genome position (GRCh38, 1-based): chr18:2,738,541, G>A. VCF-style: chr18-2738541-G-A. GRCh37 (hg19) VCF-style: chr18-2738539-G-A.
Other names: short protein forms V1141I.
Identifiers: ClinVar variation 3704631 (VCV003704631.2).

ClinVar aggregate classification (germline): Uncertain significance (1 of 4 stars; one submission).

Conditions:
Facioscapulohumeral muscular dystrophy 2 (FSHD2). Also called: MUSCULAR DYSTROPHY, FACIOSCAPULOHUMERAL, TYPE 1B; FACIOSCAPULOHUMERAL MUSCULAR DYSTROPHY 2, DIGENIC; FSHD2, DIGENIC. Identifiers: Orphanet 269, MedGen C1834671, MONDO:0008031, OMIM 158901.

gnomAD v4.1: 8 of 1,610,644 alleles (0.0005%); highest among the groups gnomAD compares: African/African-American, 0.004%; no homozygotes.

Submission:

Labcorp Genetics (formerly Invitae), Labcorp
Classification: Uncertain significance for Facioscapulohumeral muscular dystrophy 2. Last evaluated: 2025-07-03. Review status: criteria provided, single submitter. Criteria: Invitae Variant Classification Sherloc (09022015). Collection method: clinical testing. Allele origin: germline.
Comment: This sequence change replaces valine, which is neutral and non-polar, with isoleucine, which is neutral and non-polar, at codon 1141 of the SMCHD1 protein (p.Val1141Ile). This variant is not present in population databases (gnomAD no frequency). This variant has not been reported in the literature in individuals affected with SMCHD1-related conditions. ClinVar contains an entry for this variant (Variation ID: 3704631). Invitae Evidence Modeling of protein sequence and biophysical properties (such as structural, functional, and spatial information, amino acid conservation, physicochemical variation, residue mobility, and thermodynamic stability) indicates that this missense variant is not expected to disrupt SMCHD1 protein function with a negative predictive value of 80%. In summary, the available evidence is currently insufficient to determine the role of this variant in disease. Therefore, it has been classified as a Variant of Uncertain Significance.